The following is an entry in ClinVar:

ClinVar aggregate classification (germline): Likely pathogenic (1 of 4 stars; one submission).

Submission:

Mayo Clinic Laboratories, Mayo Clinic
Classification: Likely pathogenic. Last evaluated: 2025-10-10. Review status: criteria provided, single submitter. Criteria: ACMG Guidelines, 2015. Collection method: clinical testing. Allele origin: germline. Observed: 1 variant allele.
Comment: PP4, PM2_supporting, PVS1_strong

Literature cited by the submitters: PubMed 23617593; PubMed 25982359; PubMed 35770352.

NM_000133.4(F9):c.1243del (p.His415fs)

Gene: F9 (coagulation factor IX; plus strand). Cytogenetic location: Xq27.1.
Variant type: Deletion.
Coding change: c.1243del on transcript NM_000133.4 (MANE Select); coding-DNA position 1243, one base deleted (C; older notation c.1243delC).
Protein change: p.His415fs; shifts the reading frame from histidine 415.
Molecular consequence: frameshift variant.
Genome position (GRCh38, 1-based): chrX:139,561,928, C deleted; the last of 4 consecutive C bases (chrX:139,561,925-139,561,928); deleting any one gives the same sequence. VCF-style (leftmost placement, unchanged base first): chrX-139561924-AC-A. GRCh37 (hg19) VCF-style: chrX-138644083-AC-A.
Other names: p.His415Metfs*11; c.1129del, p.His377fs (NM_001313913.2); short protein forms H415fs, H377fs.
Identifiers: ClinVar variation 4542500 (VCV004542500.1).